The following is an entry in ClinVar:

ClinVar aggregate classification (germline): Uncertain significance (1 of 4 stars; one submission).

Conditions:
Biotinidase deficiency. Also called: BTD deficiency; Late-onset biotin-responsive multiple carboxylase deficiency; Biotin deficiency. Identifiers: Orphanet 79241, MedGen C0220754, MONDO:0009665, OMIM 253260.

Submission:

Labcorp Genetics (formerly Invitae), Labcorp
Classification: Uncertain significance for Biotinidase deficiency. Last evaluated: 2024-09-26. Review status: criteria provided, single submitter. Criteria: Invitae Variant Classification Sherloc (09022015). Collection method: clinical testing. Allele origin: germline.
Comment: This variant, c.1274_1276del, results in the deletion of 1 amino acid(s) of the BTD protein (p.Tyr425del), but otherwise preserves the integrity of the reading frame. This variant is not present in population databases (gnomAD no frequency). This variant has not been reported in the literature in individuals affected with BTD-related conditions. Experimental studies and prediction algorithms are not available or were not evaluated, and the functional significance of this variant is currently unknown. In summary, the available evidence is currently insufficient to determine the role of this variant in disease. Therefore, it has been classified as a Variant of Uncertain Significance.

NM_001370658.1(BTD):c.1214_1216del (p.Tyr405del)

Gene: BTD (biotinidase; plus strand). Cytogenetic location: 3p25.1.
Variant type: Deletion.
Coding change: c.1214_1216del on transcript NM_001370658.1 (MANE Select); coding-DNA positions 1214 to 1216, 3 bases deleted (ATT; older notation c.1214_1216delATT).
Protein change: p.Tyr405del; deletes tyrosine 405.
Molecular consequence: intron variant (on NM_001370752.1).
Genome position (GRCh38, 1-based): chr3:15,645,130-15,645,132, ATT deleted; deleting any 3 consecutive bases within chr3:15,645,128-15,645,132 gives the same sequence; the c. name uses the placement nearest the transcript's 3' end. VCF-style (leftmost placement, unchanged base first): chr3-15645127-GTTA-G. GRCh37 (hg19) VCF-style: chr3-15686634-GTTA-G.
Other names: c.1214_1216del, p.Tyr405del (NM_001281723.4, NM_001281724.3, NM_001281725.3 and 16 more transcripts); c.1015+199_1015+201del (NM_001370752.1, NM_001407379.1); c.399+3073_399+3075del (NM_001370753.1, NM_001407400.1, NM_001407380.1 and 3 more transcripts); short protein forms Y405del.
Identifiers: ClinVar variation 3692767 (VCV003692767.2).